The following is an entry in ClinVar:

ClinVar aggregate classification (germline): Benign/Likely benign. Review status: criteria provided, multiple submitters, no conflicts (2 of 4 stars). 5 submissions from 5 submitters: Benign (3); Likely benign (1). 1 of the submissions does not count toward it. Last evaluated 2026-01-14.

Allele frequency attached by ClinVar (database versions not stated): gnomAD exomes 0.00052; ExAC 0.00060; gnomAD 0.00171 and 0.00186; ESP Exome Variant Server 0.00208; TOPMed 0.00216; 1000 Genomes Project 30x 0.00219; 1000 Genomes Project 0.00240.

Submissions (5):

Labcorp Genetics (formerly Invitae), Labcorp
Classification: Benign. Last evaluated: 2026-01-14. Review status: criteria provided, single submitter. Criteria: Invitae Variant Classification Sherloc (09022015). Collection method: clinical testing. Allele origin: germline.

Blueprint Genetics
Classification: Likely benign. Last evaluated: 2024-11-26. Review status: criteria provided, single submitter. Criteria: ACMG Guidelines, 2015. Collection method: clinical testing. Allele origin: germline.

GeneDx
Classification: Benign. Last evaluated: 2018-10-15. Review status: criteria provided, single submitter. Criteria: GeneDx Variant Classification Process June 2021. Collection method: clinical testing. Allele origin: germline. Affected: yes.

Laboratory for Molecular Medicine, Mass General Brigham Personalized Medicine
Classification: Benign. Last evaluated: 2014-11-24. Review status: criteria provided, single submitter. Criteria: LMM Criteria. Collection method: clinical testing. Allele origin: germline. Observed: 2 variant alleles.
Comment: 774+7C>G in intron 7 of P2RX2: This variant is not expected to have clinical sig nificance because it is not located within the conserved splice consensus sequen ce. It has been identified in 0.6% (27/4404) of African American chromosomes fro m a broad population by the NHLBI Exome Sequencing Project (dbSNP rs199743808).

Department of Pathology and Laboratory Medicine, Sinai Health System
Classification: Benign. Review status: no assertion criteria provided. Collection method: clinical testing. Allele origin: unknown. Affected: yes. Study: The Canadian Open Genetics Repository (COGR). Not counted in ClinVar's aggregate classification.
Comment: The P2RX2 c.672+2C>G variant was not identified in the literature nor was it identified in LOVD 3.0. The variant was identified in dbSNP (ID: rs199743808) and ClinVar (reported as benign by Invitae and Laboratory for Molecular Medicine). The variant was identified in control databases in 184 of 279412 chromosomes at a frequency of 0.0006585 increasing the likelihood this could be a low frequency benign variant (Genome Aggregation Database March 6, 2019, v2.1.1). The variant was observed in the following populations: African in 166 of 24874 chromosomes (freq: 0.006674) and Latino in 18 of 35382 chromosomes (freq: 0.000509), but was not observed in the Ashkenazi Jewish, East Asian, European (Finnish), European (non-Finnish), Other, or South Asian populations. The c.672+2C>G variant is predicted to cause abnormal splicing because the nucleotide substitution occurs in the invariant region of the splice consensus sequence. However, only three of four in silico or computational prediction software programs (SpliceSiteFinder, MaxEntScan, NNSPLICE, GeneSplicer) predict a greater than 10% difference in splicing. Further, on other P2RX2 transcripts this variant does not fall within the splicing consensus sequence. In summary, based on the above information this variant meets our laboratory's criteria to be classified as benign.

NM_170682.4(P2RX2):c.774+7C>G

Gene: P2RX2 (purinergic receptor P2X 2; plus strand). Cytogenetic location: 12q24.33.
Variant type: single nucleotide variant.
Coding change: c.774+7C>G on transcript NM_170682.4 (MANE Select); 7 bases into the intron after coding-DNA position 774, C replaced by G.
Molecular consequence: intron variant. On other transcripts: splice donor variant (1).
Genome position (GRCh38, 1-based): chr12:132,620,590, C>G. VCF-style: chr12-132620590-C-G. GRCh37 (hg19) VCF-style: chr12-133197176-C-G.
Other names: c.774+7C>G (NM_001282165.2, NM_170683.4, NM_174873.3); c.702+7C>G (NM_016318.4); c.672+2C>G (NM_001282164.2); c.558+7C>G (NM_012226.5); c.498+7C>G (NM_174872.3).
Identifiers: ClinVar variation 226988 (VCV000226988.18), dbSNP rs199743808, ClinGen allele CA6891640.